The following is an entry in ClinVar:

NM_001018115.3(FANCD2):c.141C>G (p.Ile47Met)

Genes: FANCD2 (FA complementation group D2; plus strand), LOC107303338 (3p25 FANCD2 Alu-mediated recombination region; plus strand). Cytogenetic location: 3p25.3.
Variant type: single nucleotide variant.
Coding change: c.141C>G on transcript NM_001018115.3 (MANE Select); coding-DNA position 141, C replaced by G.
Protein change: p.Ile47Met; replaces isoleucine 47 with methionine.
Molecular consequence: missense variant.
Genome position (GRCh38, 1-based): chr3:10,032,908, C>G. VCF-style: chr3-10032908-C-G. GRCh37 (hg19) VCF-style: chr3-10074592-C-G.
Other names: p.I47M; c.141C>G, p.Ile47Met (NM_001319984.2, NM_001374253.1, NM_001374254.1 and 2 more transcripts); short protein forms I47M.
Identifiers: ClinVar variation 1900227 (VCV001900227.9), dbSNP rs56405709, ClinGen allele CA2249116.
Genomic context (GRCh38, chr3:10,032,908, plus strand): 5'-ACTTTCCAAAAAGACAAAGAAATCTCATATTGCTAATGAAGTTGAAGAAAATGACAGCAT[C>G]TTTGTAAAGCTTCTTAAGATATCAGGAATTATTCTTAAAACGGGAGAGAGTCAGAATCAA-3'
Protein context (NP_001018125.1, residues 37-57): IANEVEENDS[Ile47Met]FVKLLKISGI

ClinVar aggregate classification (germline): Uncertain significance. Review status: criteria provided, multiple submitters, no conflicts (2 of 4 stars). 3 submissions from 3 submitters: Uncertain significance (3). Last evaluated 2025-12-19.

Conditions:
Fanconi anemia (FA). Also called: Fanconi's anemia. Identifiers: Orphanet 84, MedGen C0015625, MeSH D005199, MONDO:0019391.
Fanconi anemia complementation group D2. Also called: FANCONI PANCYTOPENIA, TYPE 4; FANCONI ANEMIA, COMPLEMENTATION GROUP D; FANCD2-Related Fanconi Anemia. Identifiers: Orphanet 84, MedGen C3160738, MONDO:0009214, OMIM 227646.

Allele frequency attached by ClinVar (database versions not stated): gnomAD 0.00001; gnomAD exomes 0.00001; ExAC 0.00002; TOPMed 0.00004.
gnomAD v4.1: 13 of 1,601,000 alleles (0.00081%); highest among the groups gnomAD compares: East Asian, 0.027%; no homozygotes.

Submissions (3):

Labcorp Genetics (formerly Invitae), Labcorp
Classification: Uncertain significance for Fanconi anemia. Last evaluated: 2025-12-19. Review status: criteria provided, single submitter. Criteria: Invitae Variant Classification Sherloc (09022015). Collection method: clinical testing. Allele origin: germline.
Comment: This sequence change replaces isoleucine, which is neutral and non-polar, with methionine, which is neutral and non-polar, at codon 47 of the FANCD2 protein (p.Ile47Met). This variant is present in population databases (rs56405709, gnomAD 0.03%). This variant has not been reported in the literature in individuals affected with FANCD2-related conditions. ClinVar contains an entry for this variant (Variation ID: 1900227). Invitae Evidence Modeling of protein sequence and biophysical properties (such as structural, functional, and spatial information, amino acid conservation, physicochemical variation, residue mobility, and thermodynamic stability) indicates that this missense variant is not expected to disrupt FANCD2 protein function with a negative predictive value of 80%. In summary, the available evidence is currently insufficient to determine the role of this variant in disease. Therefore, it has been classified as a Variant of Uncertain Significance.

Undiagnosed Diseases Network, NIH
Classification: Uncertain significance for Fanconi anemia complementation group D2. Last evaluated: 2024-09-25. Review status: criteria provided, single submitter. Criteria: ACMG Guidelines, 2015. Collection method: clinical testing. Allele origin: unknown. Affected: yes. Observed: 1 compound heterozygote. Study: Undiagnosed Diseases Network (NIH), UDN.

Baylor Genetics
Classification: Uncertain significance for Fanconi anemia complementation group D2. Last evaluated: 2024-03-13. Review status: criteria provided, single submitter. Criteria: ACMG Guidelines, 2015. Collection method: clinical testing. Allele origin: unknown.